The following is an entry in ClinVar:

ClinVar aggregate classification (germline): Benign (1 of 4 stars; one submission).

Allele frequency attached by ClinVar (database versions not stated): 1000 Genomes Project 30x 0.58417; 1000 Genomes Project 0.58546; TOPMed 0.63525; gnomAD 0.65203 and 0.65283.
gnomAD v4.1: 99,476 of 151,950 alleles (65%); highest among the groups gnomAD compares: Non-Finnish European, 79%; 34,778 homozygotes.

Submission:

GeneDx
Classification: Benign. Last evaluated: 2018-06-14. Review status: criteria provided, single submitter. Criteria: GeneDx Variant Classification (06012015). Collection method: clinical testing. Allele origin: germline. Affected: yes.
Comment: This variant is considered likely benign or benign based on one or more of the following criteria: it is a conservative change, it occurs at a poorly conserved position in the protein, it is predicted to be benign by multiple in silico algorithms, and/or has population frequency not consistent with disease.

NM_001103.4(ACTN2):c.1657-194C>T

Gene: ACTN2 (actinin alpha 2; plus strand). Cytogenetic location: 1q43.
Variant type: single nucleotide variant.
Coding change: c.1657-194C>T on transcript NM_001103.4 (MANE Select); 194 bases into the intron before coding-DNA position 1657, C replaced by T.
Molecular consequence: intron variant.
Genome position (GRCh38, 1-based): chr1:236,751,276, C>T. VCF-style: chr1-236751276-C-T. GRCh37 (hg19) VCF-style: chr1-236914576-C-T.
Other names: c.1033-194C>T (NM_001278344.2); c.1657-194C>T (NM_001278343.2).
Identifiers: ClinVar variation 672009 (VCV000672009.1), dbSNP rs3738544, ClinGen allele CA39738718.